The following is an entry in ClinVar:

ClinVar aggregate classification (germline): Uncertain significance (1 of 4 stars; one submission).

Allele frequency attached by ClinVar (database versions not stated): gnomAD exomes below 0.00001.
gnomAD v4.1: 1 of 1,614,092 alleles (0.000062%); highest among the groups gnomAD compares: Non-Finnish European, 0.000085%; no homozygotes.

Submission:

Labcorp Genetics (formerly Invitae), Labcorp
Classification: Uncertain significance. Last evaluated: 2022-08-22. Review status: criteria provided, single submitter. Criteria: Invitae Variant Classification Sherloc (09022015). Collection method: clinical testing. Allele origin: germline.
Comment: In summary, the available evidence is currently insufficient to determine the role of this variant in disease. Therefore, it has been classified as a Variant of Uncertain Significance. Algorithms developed to predict the effect of missense changes on protein structure and function (SIFT, PolyPhen-2, Align-GVGD) all suggest that this variant is likely to be disruptive. This variant has not been reported in the literature in individuals affected with GLYCTK-related conditions. This variant is not present in population databases (gnomAD no frequency). This sequence change replaces threonine, which is neutral and polar, with arginine, which is basic and polar, at codon 505 of the GLYCTK protein (p.Thr505Arg).

NM_145262.4(GLYCTK):c.1514C>G (p.Thr505Arg)

Gene: GLYCTK (glycerate kinase; plus strand). Cytogenetic location: 3p21.2.
Variant type: single nucleotide variant.
Coding change: c.1514C>G on transcript NM_145262.4 (MANE Select); coding-DNA position 1514, C replaced by G.
Protein change: p.Thr505Arg; replaces threonine 505 with arginine.
Molecular consequence: missense variant. On other transcripts: 3 prime UTR variant (1), non-coding transcript variant (4).
Genome position (GRCh38, 1-based): chr3:52,293,068, C>G. VCF-style: chr3-52293068-C-G. GRCh37 (hg19) VCF-style: chr3-52327084-C-G.
Other names: c.*633C>G (NM_001144951.2); short protein forms T505R.
Identifiers: ClinVar variation 1717658 (VCV001717658.5), dbSNP rs2471088202, ClinGen allele CA353076637.